The following is an entry in ClinVar:

NM_004370.6(COL12A1):c.922A>T (p.Ile308Phe)

Gene: COL12A1 (collagen type XII alpha 1 chain; minus strand). Cytogenetic location: 6q13.
Variant type: single nucleotide variant.
Coding change: c.922A>T on transcript NM_004370.6 (MANE Select); coding-DNA position 922, A replaced by T.
Protein change: p.Ile308Phe; replaces isoleucine 308 with phenylalanine.
Molecular consequence: missense variant. On other transcripts: intron variant (1).
Genome position (GRCh38, 1-based): chr6:75,188,437, T>A on the plus strand (A>T on the coding strand, the complement: COL12A1 is on the minus strand). VCF-style: chr6-75188437-T-A. GRCh37 (hg19) VCF-style: chr6-75898153-T-A.
Other names: p.Ile308Phe; c.73+14283A>T (NM_080645.3); short protein forms I308F.
Identifiers: ClinVar variation 566613 (VCV000566613.46), dbSNP rs116980451, ClinGen allele CA3894312.

ClinVar aggregate classification (germline): Conflicting classifications of pathogenicity. Review status: criteria provided, conflicting classifications (1 of 4 stars). 7 submissions from 7 submitters: Uncertain significance (6); Likely benign (1). Last evaluated 2026-08-01.

Conditions:
Ullrich congenital muscular dystrophy 2 (UCMD2). Identifiers: Orphanet 75840, MedGen C4225314, MONDO:0014654, OMIM 616470.
Bethlem myopathy 2 (BTHLM2). Identifiers: Orphanet 536516, Orphanet 610, MedGen C4225313, MONDO:0034022, OMIM 616471.

Allele frequency attached by ClinVar (database versions not stated): gnomAD exomes 0.00024 and 0.00033; gnomAD 0.00029 and 0.00031; TOPMed 0.00037; ESP Exome Variant Server 0.00049; 1000 Genomes Project 30x 0.00016; 1000 Genomes Project 0.00020; ExAC 0.00023.
gnomAD v4.1: 531 of 1,613,648 alleles (0.033%); highest among the groups gnomAD compares: Non-Finnish European, 0.041%; no homozygotes.

Submissions (8):

CeGaT Center for Human Genetics Tuebingen
Classification: Uncertain significance. Last evaluated: 2026-08-01. Review status: criteria provided, single submitter. Criteria: CeGaT Center For Human Genetics Tuebingen Variant Classification Criteria Version 2. Collection method: clinical testing. Allele origin: germline. Affected: yes. Observed: 3 variant alleles.
Comment: COL12A1: PM2

Women's Health and Genetics/Laboratory Corporation of America, LabCorp
Classification: Uncertain significance. Last evaluated: 2026-02-26. Review status: criteria provided, single submitter. Criteria: LabCorp Variant Classification Summary - May 2015. Collection method: clinical testing. Allele origin: germline.
Comment: Variant summary: COL12A1 c.922A>T (p.Ile308Phe) results in a non-conservative amino acid change in the encoded protein sequence. Algorithms developed to predict the effect of missense changes on protein structure and function all suggest that this variant is likely to be disruptive. The variant allele was found at a frequency of 0.00024 in 249168 control chromosomes. This frequency is not significantly higher than estimated for disease-causing variants in COL12A1, allowing no conclusion about variant significance. c.922A>T has been observed in an individual affected with an unclassified form of syndromic joint hypermobility (Leone_2023). This report does not provide unequivocal conclusions about association of the variant with Ullrich congenital muscular dystrophy 2. To our knowledge, no experimental evidence demonstrating an impact on protein function has been reported. The following publication has been ascertained in the context of this evaluation (PMID: 37079061). ClinVar contains an entry for this variant (Variation ID: 566613). Based on the evidence outlined above, the variant was classified as uncertain significance.

Labcorp Genetics (formerly Invitae), Labcorp
Classification: Likely benign for Bethlem myopathy 2; Ullrich congenital muscular dystrophy 2. Last evaluated: 2026-01-14. Review status: criteria provided, single submitter. Criteria: Invitae Variant Classification Sherloc (09022015). Collection method: clinical testing. Allele origin: germline.

Mayo Clinic Laboratories, Mayo Clinic
Classification: Uncertain significance. Last evaluated: 2025-02-07. Review status: criteria provided, single submitter. Criteria: ACMG Guidelines, 2015. Collection method: clinical testing. Allele origin: germline. Observed: 4 variant alleles.
Comment: BS1

GeneDx
Classification: Uncertain significance. Last evaluated: 2024-12-30. Review status: criteria provided, single submitter. Criteria: GeneDx Variant Classification Process June 2021. Collection method: clinical testing. Allele origin: germline. Affected: yes.
Comment: In silico analysis indicates that this missense variant does not alter protein structure/function; This variant is associated with the following publications: (PMID: 37079061)

Revvity Omics, Revvity
Classification: Uncertain significance. Last evaluated: 2023-06-14. Review status: criteria provided, single submitter. Criteria: ACMG Guidelines, 2015. Collection method: clinical testing. Allele origin: germline.

Fulgent Genetics
Classification: Uncertain significance for Ullrich congenital muscular dystrophy 2; Bethlem myopathy 2. Last evaluated: 2021-10-31. Review status: criteria provided, single submitter. Criteria: ACMG Guidelines, 2015. Collection method: clinical testing. Allele origin: unknown.

Dr. Peter K. Rogan Lab, Western University
No classification provided (evidence only). Condition: Malignant tumor of esophagus. Review status: no classification provided. Collection method: in vitro. Allele origin: not applicable. Functional consequence: retained intron. Not counted in ClinVar's aggregate classification.

Literature cited by the submitters: PubMed 37079061 (cited by Women's Health and Genetics/Laboratory Corporation of America, LabCorp and Mayo Clinic Laboratories, Mayo Clinic).